The following is an entry in ClinVar:

NM_000038.6(APC):c.75A>G (p.Gln25=)

Gene: APC (APC regulator of Wnt signaling pathway; plus strand). Cytogenetic location: 5q22.2.
Variant type: single nucleotide variant.
Coding change: c.75A>G on transcript NM_000038.6 (MANE Select); coding-DNA position 75, A replaced by G.
Protein change: p.Gln25=; no amino-acid change (glutamine 25 retained).
Molecular consequence: synonymous variant. On other transcripts: 5 prime UTR variant (1), intron variant (8).
Genome position (GRCh38, 1-based): chr5:112,754,965, A>G. VCF-style: chr5-112754965-A-G. GRCh37 (hg19) VCF-style: chr5-112090662-A-G.
Other names: c.75A>G, p.Gln25= (NM_001127510.3, NM_001354895.2, NM_001354896.2 and 2 more transcripts); c.-961A>G (NM_001354906.2); c.166-11361A>G (NM_001354897.2, NM_001354902.2, NM_001127511.3); c.61-11361A>G (NM_001354898.2, NM_001354904.2); c.-42-11361A>G (NM_001354900.2, NM_001354901.2, NM_001354905.2).
Identifiers: ClinVar variation 231784 (VCV000231784.20), dbSNP rs876659361, ClinGen allele CA10578282.
Genomic context (GRCh38, chr5:112,754,965, plus strand): 5'-ATATGATCAGTTGTTAAAGCAAGTTGAGGCACTGAAGATGGAGAACTCAAATCTTCGACA[A>G]GAGCTAGAAGATAATTCCAATCATCTTACAAAACTGGAAACTGAGGCATCTAATATGAAG-3'
Protein context (NP_000029.2, residues 15-35): ALKMENSNLR[Gln25=]ELEDNSNHLT

ClinVar aggregate classification (germline): Benign/Likely benign. Review status: criteria provided, multiple submitters, no conflicts (2 of 4 stars). 6 submissions from 6 submitters: Benign (1); Likely benign (5). Last evaluated 2026-01-27.

Conditions:
Familial adenomatous polyposis 1 (FAP1). Also called: FAMILIAL ADENOMATOUS POLYPOSIS 1, ATTENUATED; POLYPOSIS, ADENOMATOUS INTESTINAL. Identifiers: MedGen C2713442, MONDO:0021056, OMIM 175100. Disease mechanism: loss of function.
Hereditary cancer-predisposing syndrome. Also called: Neoplastic Syndromes, Hereditary; Tumor predisposition; Hereditary Cancer Syndrome; Hereditary neoplastic syndrome. Identifiers: Orphanet 140162, MedGen C0027672, MeSH D009386, MONDO:0015356.

Allele frequency attached by ClinVar (database versions not stated): gnomAD exomes below 0.00001 and 0.00002.
gnomAD v4.1: 30 of 1,613,836 alleles (0.0019%); highest among the groups gnomAD compares: Non-Finnish European, 0.0025%; no homozygotes.

Submissions (6):

Labcorp Genetics (formerly Invitae), Labcorp
Classification: Likely benign for Familial adenomatous polyposis 1. Last evaluated: 2026-01-27. Review status: criteria provided, single submitter. Criteria: Invitae Variant Classification Sherloc (09022015). Collection method: clinical testing. Allele origin: germline.

Center for Genomic Medicine, Rigshospitalet, Copenhagen University Hospital
Classification: Likely benign. Last evaluated: 2025-03-04. Review status: criteria provided, single submitter. Criteria: ACMG Guidelines, 2015. Collection method: clinical testing. Allele origin: germline.

Myriad Genetics, Inc.
Classification: Benign for Familial adenomatous polyposis 1. Last evaluated: 2024-02-22. Review status: criteria provided, single submitter. Criteria: Myriad Autosomal Dominant, Autosomal Recessive and X-Linked Classification Criteria (2023). Collection method: clinical testing. Allele origin: unknown.
Comment: This variant is considered benign. This variant is a silent/synonymous amino acid change and it is not expected to impact splicing.

Color Diagnostics, LLC DBA Color Health
Classification: Likely benign for Hereditary cancer-predisposing syndrome. Last evaluated: 2021-07-07. Review status: criteria provided, single submitter. Criteria: ACMG Guidelines, 2015. Collection method: clinical testing. Allele origin: germline.

GeneDx
Classification: Likely benign. Last evaluated: 2016-01-22. Review status: criteria provided, single submitter. Criteria: GeneDx Variant Classification (06012015). Collection method: clinical testing. Allele origin: germline. Affected: yes.
Comment: This variant is considered likely benign or benign based on one or more of the following criteria: it is a conservative change, it occurs at a poorly conserved position in the protein, it is predicted to be benign by multiple in silico algorithms, and/or has population frequency not consistent with disease.

Ambry Genetics
Classification: Likely benign for Hereditary cancer-predisposing syndrome. Last evaluated: 2015-05-13. Review status: criteria provided, single submitter. Criteria: Ambry Variant Classification Scheme 2023. Collection method: clinical testing. Allele origin: germline.